The following is an entry in ClinVar:

NM_001126108.2(SLC12A3):c.433C>T (p.Arg145Cys)

Gene: SLC12A3 (solute carrier family 12 member 3; plus strand). Cytogenetic location: 16q13.
Variant type: single nucleotide variant.
Coding change: c.433C>T on transcript NM_001126108.2 (MANE Select); coding-DNA position 433, C replaced by T.
Protein change: p.Arg145Cys; replaces arginine 145 with cysteine.
Molecular consequence: missense variant.
Genome position (GRCh38, 1-based): chr16:56,868,300, C>T. VCF-style: chr16-56868300-C-T. GRCh37 (hg19) VCF-style: chr16-56902212-C-T.
Other names: c.433C>T, p.Arg145Cys (NM_000339.3); c.430C>T, p.Arg144Cys (NM_001126107.2, NM_001410896.1); c.433C>T (NM_000339.2); short protein forms R144C, R145C.
Identifiers: ClinVar variation 2137815 (VCV002137815.9), dbSNP rs148945966, ClinGen allele CA8069034.

ClinVar aggregate classification (germline): Pathogenic. Review status: criteria provided, multiple submitters, no conflicts (2 of 4 stars). 4 submissions from 4 submitters: Pathogenic (4). Last evaluated 2026-01-06.

Conditions:
Familial hypokalemia-hypomagnesemia (GTLMNS). Also called: gitelman syndrome; HYPOMAGNESEMIA-HYPOKALEMIA, PRIMARY RENOTUBULAR, WITH HYPOCALCIURIA; POTASSIUM AND MAGNESIUM DEPLETION. Identifiers: Orphanet 358, MedGen C0268450, MONDO:0009904, OMIM 263800.

Allele frequency attached by ClinVar (database versions not stated): TOPMed below 0.00001; ExAC 0.00001; gnomAD 0.00001; ESP Exome Variant Server 0.00008.

Submissions (4):

3billion
Classification: Pathogenic for Familial hypokalemia-hypomagnesemia. Last evaluated: 2026-01-06. Review status: criteria provided, single submitter. Criteria: ACMG Guidelines, 2015. Collection method: clinical testing. Allele origin: germline. Affected: yes.
Comment: The variant is observed at an extremely low frequency in the gnomAD v4.1.0 dataset (total allele frequency: <0.001%). Predicted Consequence/Location: Missense variant Functional studies provide strong evidence of the variant having a damaging effect on the gene or gene product (PMID: 17329572). In silico tool predictions suggest damaging effect of the variant on gene or gene product [REVEL: 0.91 (>=0.6, sensitivity 0.68 and specificity 0.92); 3Cnet: 0.99 (> 0.75, sensitivity 0.96 and precision 0.92)]. The same nucleotide change resulting in the same amino acid change has been previously reported as pathogenic/likely pathogenic with strong evidence (ClinVar ID: VCV002137815 /PMID: 17329572 /3billion dataset). The variant has been reported to be in trans with a pathogenic variant as either compound heterozygous or homozygous in at least one similarly affected unrelated individual (PMID: 17329572). The variant has been reported to co-segregate with the disease in at least 3 similarly affected relatives/individuals in the same family or similarly affected unrelated families (PMID: 17329572, 26770037). Different missense changes at the same codon (p.Arg145His, p.Arg145Ser) have been reported as pathogenic/likely pathogenic with strong evidence (ClinVar ID: VCV000631752, VCV001065972 /PMID: 17654016, 31672324). Therefore, this variant is classified as Pathogenic according to the recommendation of ACMG/AMP guideline.

Natera, Inc.
Classification: Pathogenic for Gitelman syndrome. Last evaluated: 2025-08-06. Review status: criteria provided, single submitter. Criteria: Natera Variant Classification Schema (03/2026). Collection method: clinical testing. Allele origin: germline.
Comment: The c.433C>T variant in SLC12A3 is a missense variant predicted to cause substitution of arginine to cysteine at amino acid 145. This variant is rare in the general population with a frequency below the threshold expected for the associated phenotype(s). This variant has been observed in one or more individuals affected with the associated recessive disease, as either homozygous or compound heterozygous with a second variant (PMID: 17329572, 22009145, 32758178). This variant has been observed to segregate in affected family members (PMID: 17329572, 32758178). A different variant at the same position has been determined to be Pathogenic or Likely Pathogenic. Computational prediction algorithms indicate this variant is likely to affect gene or protein function. Given the available evidence, this variant is classified as Pathogenic.

Labcorp Genetics (formerly Invitae), Labcorp
Classification: Pathogenic. Last evaluated: 2025-01-15. Review status: criteria provided, single submitter. Criteria: Invitae Variant Classification Sherloc (09022015). Collection method: clinical testing. Allele origin: germline.
Comment: This sequence change replaces arginine, which is basic and polar, with cysteine, which is neutral and slightly polar, at codon 145 of the SLC12A3 protein (p.Arg145Cys). This variant is present in population databases (rs148945966, gnomAD 0.006%). This missense change has been observed in individuals with Gitelman syndrome (PMID: 17329572, 26770037). ClinVar contains an entry for this variant (Variation ID: 2137815). Invitae Evidence Modeling of protein sequence and biophysical properties (such as structural, functional, and spatial information, amino acid conservation, physicochemical variation, residue mobility, and thermodynamic stability) indicates that this missense variant is expected to disrupt SLC12A3 protein function with a positive predictive value of 95%. Experimental studies have shown that this missense change affects SLC12A3 function (PMID: 17329572). This variant disrupts the p.Arg145 amino acid residue in SLC12A3. Other variant(s) that disrupt this residue have been determined to be pathogenic (PMID: 20675610, 31672324; internal data). This suggests that this residue is clinically significant, and that variants that disrupt this residue are likely to be disease-causing. For these reasons, this variant has been classified as Pathogenic.

Fulgent Genetics
Classification: Pathogenic for Familial hypokalemia-hypomagnesemia. Last evaluated: 2024-05-02. Review status: criteria provided, single submitter. Criteria: ACMG Guidelines, 2015. Collection method: clinical testing. Allele origin: germline.

Literature cited by the submitters: PubMed 26770037 (cited by 3billion and Labcorp Genetics (formerly Invitae), Labcorp); PubMed 17654016 (cited by 3billion); PubMed 17329572 (cited by 3 submitters); PubMed 22009145 (cited by Natera, Inc.); PubMed 32758178 (cited by Natera, Inc.); PubMed 20675610 (cited by Labcorp Genetics (formerly Invitae), Labcorp); PubMed 31672324 (cited by Labcorp Genetics (formerly Invitae), Labcorp).